The following is an entry in ClinVar:

ClinVar aggregate classification (germline): Uncertain significance. Review status: criteria provided, multiple submitters, no conflicts (2 of 4 stars). 4 submissions from 4 submitters: Uncertain significance (4). Last evaluated 2026-07-01.

Conditions:
Arrhythmogenic cardiomyopathy with wooly hair and keratoderma. Also called: PALMOPLANTAR KERATODERMA WITH LEFT VENTRICULAR CARDIOMYOPATHY AND WOOLLY HAIR; Carvajal syndrome; Dilated cardiomyopathy with woolly hair and keratoderma; Arrhythmogenic cardiomyopathy with woolly hair and keratoderma. Identifiers: Orphanet 65282, MedGen C1854063, MONDO:0011581, OMIM 605676.
Cardiomyopathy (CMYO). Also called: Cardiomyopathies. Identifiers: Orphanet 167848, MedGen C0878544, MONDO:0004994, HP:0001638. Inheritance: Various modes of inheritance.
Arrhythmogenic right ventricular dysplasia 8 (ARVD8). Also called: Arrhythmogenic Right Ventricular Dysplasia/Cardiomyopathy 8; ARRHYTHMOGENIC RIGHT VENTRICULAR DYSPLASIA, FAMILIAL, 8; ARRHYTHMOGENIC RIGHT VENTRICULAR CARDIOMYOPATHY 8. Identifiers: MedGen C1843896, MONDO:0011831, OMIM 607450.
Cardiovascular phenotype. Identifiers: MedGen CN230736.

gnomAD v4.1: 1 of 1,614,120 alleles (0.000062%); highest among the groups gnomAD compares: Non-Finnish European, 0.000085%; no homozygotes.

Submissions (4):

Ambry Genetics
Classification: Uncertain significance for Cardiovascular phenotype. Last evaluated: 2026-07-01. Review status: criteria provided, single submitter. Criteria: Ambry Variant Classification Scheme 2023. Collection method: clinical testing. Allele origin: germline.
Comment: The p.K1310T variant (also known as c.3929A>C), located in coding exon 23 of the DSP gene, results from an A to C substitution at nucleotide position 3929. The lysine at codon 1310 is replaced by threonine, an amino acid with similar properties. This amino acid position is conserved. In addition, the in silico prediction for this alteration is inconclusive. Based on the available evidence, the clinical significance of this variant remains unclear.

Color Diagnostics, LLC DBA Color Health
Classification: Uncertain significance for Cardiomyopathy. Last evaluated: 2025-08-22. Review status: criteria provided, single submitter. Criteria: ACMG Guidelines, 2015. Collection method: clinical testing. Allele origin: germline.
Comment: This missense variant replaces lysine with threonine at codon 1310 of the DSP protein. Computational prediction suggests that this variant may not impact protein structure and function. To our knowledge, functional studies have not been reported for this variant. This variant has not been reported in individuals affected with DSP-related disorders in the literature. This variant has not been identified in the general population by the Genome Aggregation Database (gnomAD). The available evidence is insufficient to determine the role of this variant in disease conclusively. Therefore, this variant is classified as a Variant of Uncertain Significance.

Labcorp Genetics (formerly Invitae), Labcorp
Classification: Uncertain significance for Arrhythmogenic cardiomyopathy with wooly hair and keratoderma; Arrhythmogenic right ventricular dysplasia 8. Last evaluated: 2024-09-06. Review status: criteria provided, single submitter. Criteria: Invitae Variant Classification Sherloc (09022015). Collection method: clinical testing. Allele origin: germline.
Comment: This sequence change replaces lysine, which is basic and polar, with threonine, which is neutral and polar, at codon 1310 of the DSP protein (p.Lys1310Thr). This variant is not present in population databases (gnomAD no frequency). This variant has not been reported in the literature in individuals affected with DSP-related conditions. An algorithm developed to predict the effect of missense changes on protein structure and function (PolyPhen-2) suggests that this variant is likely to be disruptive. In summary, the available evidence is currently insufficient to determine the role of this variant in disease. Therefore, it has been classified as a Variant of Uncertain Significance.

All of Us Research Program, National Institutes of Health
Classification: Uncertain significance for Arrhythmogenic cardiomyopathy with wooly hair and keratoderma. Last evaluated: 2023-12-01. Review status: criteria provided, single submitter. Criteria: ACMG Guidelines, 2015. Collection method: clinical testing. Allele origin: germline. Inheritance: Autosomal dominant inheritance. Observed: 2 variant alleles, 2 heterozygotes.
Comment: This study involves interpretation of variants in research participants for the purpose of population health screening. Participant phenotype was not available at the time of variant classification. Additional details can be found in publication PMID: 35346344, PMCID: PMC8962531

NM_004415.4(DSP):c.3929A>C (p.Lys1310Thr)

Gene: DSP (desmoplakin; plus strand). Cytogenetic location: 6p24.3.
Variant type: single nucleotide variant.
Coding change: c.3929A>C on transcript NM_004415.4 (MANE Select); coding-DNA position 3929, A replaced by C.
Protein change: p.Lys1310Thr; replaces lysine 1310 with threonine.
Molecular consequence: missense variant. On other transcripts: intron variant (1).
Genome position (GRCh38, 1-based): chr6:7,580,119, A>C. VCF-style: chr6-7580119-A-C. GRCh37 (hg19) VCF-style: chr6-7580352-A-C.
Other names: c.3929A>C, p.Lys1310Thr (NM_001319034.2); c.3582+347A>C (NM_001008844.3); short protein forms K1310T.
Identifiers: ClinVar variation 3069276 (VCV003069276.5), dbSNP rs2533926679, ClinGen allele CA362685162.